The following is an entry in ClinVar:

NM_007294.4(BRCA1):c.4625C>G (p.Ser1542Cys)

Gene: BRCA1 (BRCA1 DNA repair associated; minus strand). Cytogenetic location: 17q21.31.
Variant type: single nucleotide variant.
Coding change: c.4625C>G on transcript NM_007294.4 (MANE Select); coding-DNA position 4625, C replaced by G.
Protein change: p.Ser1542Cys; replaces serine 1542 with cysteine.
Molecular consequence: missense variant. On other transcripts: non-coding transcript variant (1).
Genome position (GRCh38, 1-based): chr17:43,074,381, G>C on the plus strand (C>G on the coding strand, the complement: BRCA1 is on the minus strand). VCF-style: chr17-43074381-G-C. GRCh37 (hg19) VCF-style: chr17-41226398-G-C.
Other names: c.4622C>G, p.Ser1541Cys (NM_001407624.1, NM_001407625.1, NM_001407626.1 and 17 more transcripts); c.4619C>G, p.Ser1540Cys (NM_001407627.1, NM_001407628.1, NM_001407629.1 and 14 more transcripts); c.4412C>G, p.Ser1471Cys (NM_001407895.1, NM_001407896.1, NM_001407897.1 and 12 more transcripts); c.4625C>G, p.Ser1542Cys (NM_001407597.1, NM_001407598.1, NM_001407602.1 and 8 more transcripts); c.4616C>G, p.Ser1539Cys (NM_001407644.1, NM_001407645.1); c.4613C>G, p.Ser1538Cys (NM_001407646.1); c.4610C>G, p.Ser1537Cys (NM_001407647.1); c.4568C>G, p.Ser1523Cys (NM_001407648.1); and 68 more; short protein forms S1542C, S1563C, S1495C, S438C, S1245C, S1246C, S1413C, S1429C.
Identifiers: ClinVar variation 55242 (VCV000055242.34), dbSNP rs41293457, ClinGen allele CA002933.
Genomic context (GRCh38, chr17:43,074,381, plus strand): 5'-GAAATATTACCTAGATCTTGCCTTGGCAAGTAAGATGTTTCCGTCAAATCGTGTGGCCCA[G>C]ACTCTTCCAGCTGTTGCTCCTCCACATCAACAACCTTAATGAGCTCCTCTTGAGATGGGT-3'
Protein context (NP_009225.1, residues 1532-1552): VDVEEQQLEE[Ser1542Cys]GPHDLTETSY

ClinVar aggregate classification (germline): Conflicting classifications of pathogenicity. Review status: criteria provided, conflicting classifications (1 of 4 stars). 13 submissions from 13 submitters: Uncertain significance (4); Likely benign (6). 3 of the submissions do not count toward it. Last evaluated 2026-01-26.

Conditions:
Fanconi anemia, complementation group S (FANCS). Identifiers: MedGen C4554406, MONDO:0054748, OMIM 617883.
Hereditary cancer-predisposing syndrome. Also called: Hereditary Cancer Syndrome; Hereditary neoplastic syndrome; Neoplastic Syndromes, Hereditary; Tumor predisposition. Identifiers: Orphanet 140162, MedGen C0027672, MeSH D009386, MONDO:0015356.
Hereditary breast ovarian cancer syndrome. Also called: BRCA1- and BRCA2-Associated Hereditary Breast and Ovarian Cancer; Hereditary breast and ovarian cancer syndrome; Hereditary breast and ovarian cancer syndrome (HBOC); Breast and ovarian cancer; Hereditary breast and/or ovarian cancer syndrome; Hereditary breast and ovarian cancer. Identifiers: Orphanet 145, MedGen C0677776, MeSH D061325, MONDO:0003582. Disease mechanism: loss of function.
Breast-ovarian cancer, familial, susceptibility to, 1 (BROVCA1). Also called: BRCA1 Hereditary Breast and Ovarian Cancer; OVARIAN CANCER, SUSCEPTIBILITY TO. Identifiers: Orphanet 145, MedGen C2676676, MONDO:0011450, OMIM 604370. Disease mechanism: loss of function.

Allele frequency attached by ClinVar (database versions not stated): gnomAD exomes 0.00003 and 0.00004; ExAC 0.00006; TOPMed 0.00003.
gnomAD v4.1: 36 of 1,614,120 alleles (0.0022%); highest among the groups gnomAD compares: Non-Finnish European, 0.0031%; no homozygotes.

Submissions (13):

Labcorp Genetics (formerly Invitae), Labcorp
Classification: Likely benign for Hereditary breast ovarian cancer syndrome. Last evaluated: 2026-01-26. Review status: criteria provided, single submitter. Criteria: Invitae Variant Classification Sherloc (09022015). Collection method: clinical testing. Allele origin: germline.

Center for Genomic Medicine, Rigshospitalet, Copenhagen University Hospital
Classification: Likely benign. Last evaluated: 2025-03-04. Review status: criteria provided, single submitter. Criteria: ACMG Guidelines, 2015. Collection method: clinical testing. Allele origin: germline.

Quest Diagnostics Nichols Institute San Juan Capistrano
Classification: Uncertain significance. Last evaluated: 2024-12-31. Review status: criteria provided, single submitter. Criteria: Quest Diagnostics criteria. Collection method: clinical testing. Allele origin: unknown.
Comment: The BRCA1 c.4625C>G (p.Ser1542Cys) variant has been reported in the published literature in individuals with personal and/or family history of breast and/or ovarian cancer (PMID: 11106241 (2000), 10815905 (2000), 31409081 (2019), 27067391 (2016), 22476429 (2012)), and a hematological malignancy (PMID: 33850299 (2021)). In case-control studies, this variant was identified in both individuals with breast cancer and reportedly healthy individuals (PMID: PMID: 33471991 (2021), see also LOVD, 29755871 (2013)). Functional studies indicate that this variant is not damaging to homologous recombination DNA repair or transcriptional activity (PMID: 32546644 (2020), 30765603 (2019), 28781887 (2016)). Amino acid Ser1542 is reported as a phosphorylation site (PMID: 23704879 (2013), 10550055 (1999)). The frequency of this variant in the general population (Genome Aggregation Database) is uninformative in the assessment of its pathogenicity. Analysis of this variant using bioinformatics tools for the prediction of the effect of amino acid changes on protein structure and function yielded conflicting predictions that this variant is benign or damaging. Based on the available information, we are unable to determine the clinical significance of this variant.

Department of Pathology and Laboratory Medicine, Sinai Health System
Classification: Likely benign for Fanconi anemia, complementation group S. Last evaluated: 2023-11-29. Review status: criteria provided, single submitter. Criteria: ACMG Guidelines, 2015. Collection method: clinical testing. Allele origin: germline. Affected: yes.

Ambry Genetics
Classification: Likely benign for Hereditary cancer-predisposing syndrome. Last evaluated: 2021-10-28. Review status: criteria provided, single submitter. Criteria: Ambry Variant Classification Scheme 2023. Collection method: clinical testing. Allele origin: germline.

Women's Health and Genetics/Laboratory Corporation of America, LabCorp
Classification: Uncertain significance. Last evaluated: 2021-10-01. Review status: criteria provided, single submitter. Criteria: LabCorp Variant Classification Summary - May 2015. Collection method: clinical testing. Allele origin: germline.
Comment: Variant summary: BRCA1 c.4625C>G (p.Ser1542Cys) results in a non-conservative amino acid change in the encoded protein sequence. Four of five in-silico tools predict a benign effect of the variant on protein function. The variant allele was found at a frequency of 0.00011 in 251472 control chromosomes (gnomAD and publication data). This frequency is not significantly higher than expected for a pathogenic variant in BRCA1 causing Hereditary Breast And Ovarian Cancer Syndrome (0.00011 vs 0.001), allowing no conclusion about variant significance. c.4625C>G has been reported in the literature in individuals affected with breast and ovarian cancers (Akilzhanova_2013, Arver_2001, Koul_2000, Lu_2012, Mucaki_2016, Shih_2000, Tanner_2000). These reports do not provide unequivocal conclusions about association of the variant with Hereditary Breast And Ovarian Cancer Syndrome. Functional studies showed the variant to have proficient transcriptional activation (Woods_2016, Fernandes_2019) while another showed the variant to deregulate BRCA1-mediated double stranded break repair via ATM phosphorylation (Tram_2013). Seven ClinVar submitters (evaluation after 2014) cite the variant as uncertain significance (n=5) and likely benign (n=2). Based on the evidence outlined above, the variant was classified as uncertain significance.

ARUP Laboratories, Molecular Genetics and Genomics, ARUP Laboratories
Classification: Uncertain significance. Last evaluated: 2020-02-12. Review status: criteria provided, single submitter. Criteria: ARUP Molecular Germline Variant Investigation Process. Collection method: clinical testing. Allele origin: germline.
Comment: The BRCA1 c.4625C>G; p.Ser1542Cys variant (rs41293457) is reported in the literature in individuals with breast cancer (Lu 2012, Shih 2000), and is reported in the ClinVar database (Variation ID: 55242). This variant is found in the general population with an overall allele frequency of 0.004% (9/251360 alleles) in the Genome Aggregation Database. The serine at codon 1542 is moderately conserved, but computational analyses (SIFT: Tolerated, PolyPhen-2: Possibly Damaging) predict conflicting effects of this variant on protein structure/function. S1542 is phosphorylated by ATM and may be involved in response to DNA double-strand breaks (Cortez 1999). However, functional characterization of the variant suggests this variant is likely not pathogenic (Woods 2016). Due to limited information, the clinical significance of this variant is uncertain at this time. REFERENCES Cortez D et al. Requirement of ATM-dependent phosphorylation of brca1 in the DNA damage response to double-strand breaks. Science. 1999 Nov 5;286(5442):1162-6. Lu W et al. Mutation screening of RAD51C in high-risk breast and ovarian cancer families. Fam Cancer. 2012 Sep;11(3):381-5. Shih HA et al. BRCA1 and BRCA2 mutations in breast cancer families with multiple primary cancers. Clin Cancer Res. 2000 Nov;6(11):4259-64. Woods NT et al. Functional assays provide a robust tool for the clinical annotation of genetic variants of uncertain significance. NPJ Genom Med. 2016;1. pii: 16001.

GeneDx
Classification: Likely benign. Last evaluated: 2018-05-02. Review status: criteria provided, single submitter. Criteria: GeneDx Variant Classification Process June 2021. Collection method: clinical testing. Allele origin: germline. Affected: yes.
Comment: This variant is associated with the following publications: (PMID: 10550055, 23704879, 11240689, 11106241, 22476429, 21338495, 10815905, 11156530, 16721040, 10918303, 26898890, 11336395, 25348012, 28781887, 30765603)

Genetic Services Laboratory, University of Chicago
Classification: Uncertain significance. Last evaluated: 2017-08-29. Review status: criteria provided, single submitter. Criteria: ACMG Guidelines, 2015. Collection method: clinical testing. Allele origin: germline. Affected: no.

Color Diagnostics, LLC DBA Color Health
Classification: Likely benign for Hereditary cancer-predisposing syndrome. Last evaluated: 2016-01-25. Review status: criteria provided, single submitter. Criteria: ACMG Guidelines, 2015. Collection method: clinical testing. Allele origin: germline.

BRCAlab, Lund University
Classification: Likely benign for Breast-ovarian cancer, familial, susceptibility to, 1. Last evaluated: 2024-02-02. Review status: no assertion criteria provided. Collection method: clinical testing. Allele origin: germline. Affected: yes. Not counted in ClinVar's aggregate classification.

Counsyl
Classification: Uncertain significance for Breast-ovarian cancer, familial, susceptibility to, 1. Last evaluated: 2016-02-19. Review status: no assertion criteria provided. Collection method: clinical testing. Allele origin: unknown. Not counted in ClinVar's aggregate classification.

Breast Cancer Information Core (BIC) (BRCA1)
Classification: Uncertain significance for Breast-ovarian cancer, familial 1. Last evaluated: 2004-02-20. Review status: no assertion criteria provided. Collection method: clinical testing. Allele origin: germline. Affected: yes. Observed: 2 variant alleles. Not counted in ClinVar's aggregate classification.

Literature cited by the submitters: PubMed 23704879 (cited by 4 submitters); PubMed 11240689 (cited by 4 submitters); PubMed 17686308 (cited by 3 submitters); PubMed 10815905 (cited by Quest Diagnostics Nichols Institute San Juan Capistrano and Women's Health and Genetics/Laboratory Corporation of America, LabCorp); PubMed 22476429 (cited by 5 submitters); PubMed 28781887 (cited by Quest Diagnostics Nichols Institute San Juan Capistrano and Women's Health and Genetics/Laboratory Corporation of America, LabCorp); PubMed 11106241 (cited by 4 submitters); PubMed 29755871 (cited by 4 submitters); PubMed 31409081 (cited by 3 submitters); PubMed 27067391 (cited by 4 submitters); PubMed 10550055 (cited by 3 submitters); PubMed 35585550 (cited by Quest Diagnostics Nichols Institute San Juan Capistrano); PubMed 32546644 (cited by Quest Diagnostics Nichols Institute San Juan Capistrano and Department of Pathology and Laboratory Medicine, Sinai Health System); PubMed 30765603 (cited by 4 submitters); PubMed 33850299 (cited by 3 submitters); PubMed 26295337 (cited by Quest Diagnostics Nichols Institute San Juan Capistrano); PubMed 33471991 (cited by Department of Pathology and Laboratory Medicine, Sinai Health System); PubMed 11336395 (cited by Department of Pathology and Laboratory Medicine, Sinai Health System and Women's Health and Genetics/Laboratory Corporation of America, LabCorp); PubMed 30787465 (cited by Ambry Genetics); PubMed 31911673 (cited by Ambry Genetics).